The following is an entry in ClinVar:

NM_001330288.2(SMARCC2):c.2412+1G>C

Gene: SMARCC2 (SWI/SNF related BAF chromatin remodeling complex subunit C2; minus strand). Cytogenetic location: 12q13.2.
Variant type: single nucleotide variant.
Coding change: c.2412+1G>C on transcript NM_001330288.2 (MANE Select); the canonical splice donor site of the intron after coding-DNA position 2412, G replaced by C.
Molecular consequence: splice donor variant.
Genome position (GRCh38, 1-based): chr12:56,170,143, C>G on the plus strand (G>C on the coding strand, the complement: SMARCC2 is on the minus strand). VCF-style: chr12-56170143-C-G. GRCh37 (hg19) VCF-style: chr12-56563927-C-G.
Other names: c.2319+1G>C (NM_003075.5); c.2412+1G>C (NM_139067.4, NM_001130420.3).
Identifiers: ClinVar variation 4795579 (VCV004795579.1).

ClinVar aggregate classification (germline): Pathogenic (1 of 4 stars; one submission).

Submission:

GeneDx
Classification: Pathogenic. Last evaluated: 2025-08-12. Review status: criteria provided, single submitter. Criteria: GeneDx Variant Classification Process June 2021. Collection method: clinical testing. Allele origin: germline. Affected: yes.
Comment: Canonical splice site variant predicted to result in a null allele in a gene for which loss of function is a known mechanism of disease; Not observed at significant frequency in large population cohorts (gnomAD); Has not been previously published as pathogenic or benign to our knowledge